The following is an entry in ClinVar:

ClinVar aggregate classification (germline): Uncertain significance (1 of 4 stars; one submission).

Conditions:
Cystic fibrosis (CF). Also called: MUCOVISCIDOSIS. Identifiers: Orphanet 586, MedGen C0010674, MONDO:0009061, OMIM 219700. Disease mechanism: loss of function.

Submission:

Ambry Genetics
Classification: Uncertain significance for Cystic fibrosis. Last evaluated: 2021-08-23. Review status: criteria provided, single submitter. Criteria: Ambry Variant Classification Scheme 2023. Collection method: clinical testing. Allele origin: germline.
Comment: The p.N965S variant (also known as c.2894A>G), located in coding exon 17 of the CFTR gene, results from an A to G substitution at nucleotide position 2894. The asparagine at codon 965 is replaced by serine, an amino acid with highly similar properties. This amino acid position is conserved. In addition, this alteration is predicted to be tolerated by in silico analysis. Since supporting evidence is limited at this time, the clinical significance of this alteration remains unclear.

NM_000492.4(CFTR):c.2894A>G (p.Asn965Ser)

Gene: CFTR (CF transmembrane conductance regulator; plus strand). Cytogenetic location: 7q31.2.
Variant type: single nucleotide variant.
Coding change: c.2894A>G on transcript NM_000492.4 (MANE Select); coding-DNA position 2894, A replaced by G.
Protein change: p.Asn965Ser; replaces asparagine 965 with serine.
Molecular consequence: missense variant.
Genome position (GRCh38, 1-based): chr7:117,603,768, A>G. VCF-style: chr7-117603768-A-G. GRCh37 (hg19) VCF-style: chr7-117243822-A-G.
Other names: short protein forms N965S.
Identifiers: ClinVar variation 1797332 (VCV001797332.2), dbSNP rs2485122457, ClinGen allele CA368987591.